The following is an entry in ClinVar:

NM_000038.6(APC):c.8271G>A (p.Val2757=)

Gene: APC (APC regulator of Wnt signaling pathway; plus strand). Cytogenetic location: 5q22.2.
Variant type: single nucleotide variant.
Coding change: c.8271G>A on transcript NM_000038.6 (MANE Select); coding-DNA position 8271, G replaced by A.
Protein change: p.Val2757=; no amino-acid change (valine 2757 retained).
Molecular consequence: synonymous variant. On other transcripts: non-coding transcript variant (2).
Genome position (GRCh38, 1-based): chr5:112,843,865, G>A. VCF-style: chr5-112843865-G-A. GRCh37 (hg19) VCF-style: chr5-112179562-G-A.
Other names: c.8271G>A, p.Val2757= (NM_001127510.3, NM_001354895.2, NM_001407450.1); c.8217G>A, p.Val2739= (NM_001127511.3); c.8325G>A, p.Val2775= (NM_001354896.2, NM_001407447.1, NM_001407448.1 and 1 more transcripts); c.8301G>A, p.Val2767= (NM_001354897.2); c.8196G>A, p.Val2732= (NM_001354898.2); c.8187G>A, p.Val2729= (NM_001354899.2); c.8148G>A, p.Val2716= (NM_001354900.2); c.8094G>A, p.Val2698= (NM_001354901.2, NM_001407453.1); and 11 more.
Identifiers: ClinVar variation 3253837 (VCV003253837.1), dbSNP rs1356289612.

ClinVar aggregate classification (germline): Benign (1 of 4 stars; one submission).

Conditions:
Familial adenomatous polyposis 1 (FAP1). Also called: POLYPOSIS, ADENOMATOUS INTESTINAL; FAMILIAL ADENOMATOUS POLYPOSIS 1, ATTENUATED. Identifiers: MedGen C2713442, MONDO:0021056, OMIM 175100. Disease mechanism: loss of function.

Allele frequency attached by ClinVar (database versions not stated): gnomAD exomes below 0.00001; TOPMed below 0.00001.
gnomAD v4.1: 1 of 1,613,992 alleles (0.000062%); highest among the groups gnomAD compares: Non-Finnish European, 0.000085%; no homozygotes.

Submission:

Myriad Genetics, Inc.
Classification: Benign for Familial adenomatous polyposis 1. Last evaluated: 2024-04-15. Review status: criteria provided, single submitter. Criteria: Myriad Autosomal Dominant, Autosomal Recessive and X-Linked Classification Criteria (2023). Collection method: clinical testing. Allele origin: unknown.
Comment: This variant is considered benign. This variant is a silent/synonymous amino acid change and it is not expected to impact splicing.